The following is an entry in ClinVar:

ClinVar aggregate classification (germline): Uncertain significance (1 of 4 stars; one submission).

Conditions:
Developmental and epileptic encephalopathy, 11 (DEE11). Also called: Early infantile epileptic encephalopathy 11. Identifiers: Orphanet 1934, MedGen C3150987, MONDO:0013388, OMIM 613721.

Submission:

3billion
Classification: Uncertain significance for Developmental and epileptic encephalopathy, 11. Last evaluated: 2025-12-10. Review status: criteria provided, single submitter. Criteria: ACMG Guidelines, 2015. Collection method: clinical testing. Allele origin: germline. Affected: yes.
Comment: The variant is not observed in the gnomAD v4.1.0 dataset. Predicted Consequence/Location: Missense variant In silico tool predictions suggest damaging effect of the variant on gene or gene product [REVEL: 0.95 (>=0.6, sensitivity 0.68 and specificity 0.92); 3Cnet: 0.99 (> 0.75, sensitivity 0.96 and precision 0.92)]. Therefore, this variant is classified as VUS according to the recommendation of ACMG/AMP guideline.

NM_001040142.2(SCN2A):c.2533G>A (p.Gly845Arg)

Gene: SCN2A (sodium voltage-gated channel alpha subunit 2; plus strand). Cytogenetic location: 2q24.3.
Variant type: single nucleotide variant.
Coding change: c.2533G>A on transcript NM_001040142.2 (MANE Select); coding-DNA position 2533, G replaced by A.
Protein change: p.Gly845Arg; replaces glycine 845 with arginine.
Molecular consequence: missense variant.
Genome position (GRCh38, 1-based): chr2:165,342,440, G>A. VCF-style: chr2-165342440-G-A. GRCh37 (hg19) VCF-style: chr2-166198950-G-A.
Other names: c.2533G>A, p.Gly845Arg (NM_001040143.2, NM_001371246.1, NM_001371247.1 and 1 more transcripts); short protein forms G845R.
Identifiers: ClinVar variation 4856234 (VCV004856234.1).